The following is an entry in ClinVar:

NM_001367868.2(PLIN4):c.1834G>A (p.Ala612Thr)

Gene: PLIN4 (perilipin 4; minus strand). Cytogenetic location: 19p13.3.
Variant type: single nucleotide variant.
Coding change: c.1834G>A on transcript NM_001367868.2 (MANE Select); coding-DNA position 1834, G replaced by A.
Protein change: p.Ala612Thr; replaces alanine 612 with threonine.
Molecular consequence: missense variant.
Genome position (GRCh38, 1-based): chr19:4,512,126, C>T on the plus strand (G>A on the coding strand, the complement: PLIN4 is on the minus strand). VCF-style: chr19-4512126-C-T. GRCh37 (hg19) VCF-style: chr19-4512138-C-T.
Other names: c.1837G>A, p.Ala613Thr (NM_001393888.1, NM_001393889.1); c.1834G>A, p.Ala612Thr (NM_001393890.1, NM_001393891.1); short protein forms A612T, A613T.
Identifiers: ClinVar variation 4821491 (VCV004821491.4).

ClinVar aggregate classification (germline): Likely benign (1 of 4 stars; one submission).

gnomAD v4.1: 1,633 of 1,607,888 alleles (0.1%); highest among the groups gnomAD compares: Admixed American, 0.13%; 5 homozygotes.

Submission:

CeGaT Center for Human Genetics Tuebingen
Classification: Likely benign. Last evaluated: 2026-01-01. Review status: criteria provided, single submitter. Criteria: CeGaT Center For Human Genetics Tuebingen Variant Classification Criteria Version 2. Collection method: clinical testing. Allele origin: germline. Affected: yes. Observed: 1 variant allele.
Comment: PLIN4: BP4, BS1